The following is an entry in ClinVar:

NM_001365951.3(KIF1B):c.275G>C (p.Cys92Ser)

Gene: KIF1B (kinesin family member 1B; plus strand). Cytogenetic location: 1p36.22.
Variant type: single nucleotide variant.
Coding change: c.275G>C on transcript NM_001365951.3 (MANE Select); coding-DNA position 275, G replaced by C.
Protein change: p.Cys92Ser; replaces cysteine 92 with serine.
Molecular consequence: missense variant.
Genome position (GRCh38, 1-based): chr1:10,258,584, G>C. VCF-style: chr1-10258584-G-C. GRCh37 (hg19) VCF-style: chr1-10318642-G-C.
Other names: c.275G>C, p.Cys92Ser (NM_001365952.1, NM_001365953.1, NM_015074.3 and 1 more transcripts); short protein forms C92S.
Identifiers: ClinVar variation 4043174 (VCV004043174.1).

ClinVar aggregate classification (germline): Uncertain significance (1 of 4 stars; one submission).

Submission:

Ambry Genetics
Classification: Uncertain significance. Last evaluated: 2025-06-13. Review status: criteria provided, single submitter. Criteria: Ambry Variant Classification Scheme 2023. Collection method: clinical testing. Allele origin: germline.
Comment: The p.C92S variant (also known as c.275G>C), located in coding exon 3 of the KIF1B gene, results from a G to C substitution at nucleotide position 275. The cysteine at codon 92 is replaced by serine, an amino acid with dissimilar properties. This amino acid position is conserved. In addition, this alteration is predicted to be deleterious by in silico analysis. Based on the available evidence, the clinical significance of this variant remains unclear.